The following is an entry in ClinVar:

ClinVar aggregate classification (germline): Uncertain significance (1 of 4 stars; one submission).

Conditions:
Hypertrophic cardiomyopathy. Also called: HYPERTROPHIC MYOCARDIOPATHY. Identifiers: Orphanet 217569, MedGen C0007194, MeSH D002312, MONDO:0005045, HP:0001639.

Submission:

Labcorp Genetics (formerly Invitae), Labcorp
Classification: Uncertain significance for Hypertrophic cardiomyopathy. Last evaluated: 2022-05-18. Review status: criteria provided, single submitter. Criteria: Invitae Variant Classification Sherloc (09022015). Collection method: clinical testing. Allele origin: germline.
Comment: This sequence change falls in intron 22 of the MYH7 gene. It does not directly change the encoded amino acid sequence of the MYH7 protein. This variant is not present in population databases (gnomAD no frequency). This variant has not been reported in the literature in individuals affected with MYH7-related conditions. Algorithms developed to predict the effect of sequence changes on RNA splicing suggest that this variant may create or strengthen a splice site. In summary, the available evidence is currently insufficient to determine the role of this variant in disease. Therefore, it has been classified as a Variant of Uncertain Significance.

NM_000257.4(MYH7):c.2680-16T>G

Gene: MYH7 (myosin heavy chain 7; minus strand). Cytogenetic location: 14q11.2.
Variant type: single nucleotide variant.
Coding change: c.2680-16T>G on transcript NM_000257.4 (MANE Select); 16 bases into the intron before coding-DNA position 2680, T replaced by G.
Molecular consequence: intron variant.
Genome position (GRCh38, 1-based): chr14:23,424,165, A>C on the plus strand (T>G on the coding strand, the complement: MYH7 is on the minus strand). VCF-style: chr14-23424165-A-C. GRCh37 (hg19) VCF-style: chr14-23893374-A-C.
Identifiers: ClinVar variation 2050499 (VCV002050499.4), dbSNP rs1458942752, ClinGen allele CA2580087903.